The following is an entry in ClinVar:

NM_006767.4(LZTR1):c.2219+1G>C

Gene: LZTR1 (leucine zipper like post translational regulator 1; plus strand). Cytogenetic location: 22q11.21.
Variant type: single nucleotide variant.
Coding change: c.2219+1G>C on transcript NM_006767.4 (MANE Select); the canonical splice donor site of the intron after coding-DNA position 2219, G replaced by C.
Molecular consequence: splice donor variant.
Genome position (GRCh38, 1-based): chr22:20,996,113, G>C. VCF-style: chr22-20996113-G-C. GRCh37 (hg19) VCF-style: chr22-21350402-G-C.
Identifiers: ClinVar variation 2874173 (VCV002874173.3), dbSNP rs1342909456, ClinGen allele CA410780065.

ClinVar aggregate classification (germline): Likely pathogenic (1 of 4 stars; one submission).

Submission:

Labcorp Genetics (formerly Invitae), Labcorp
Classification: Likely pathogenic. Last evaluated: 2024-01-04. Review status: criteria provided, single submitter. Criteria: Invitae Variant Classification Sherloc (09022015). Collection method: clinical testing. Allele origin: germline.
Comment: This sequence change affects a donor splice site in intron 18 of the LZTR1 gene. It is expected to disrupt RNA splicing. Variants that disrupt the donor or acceptor splice site typically lead to a loss of protein function (PMID: 16199547), and loss-of-function variants in LZTR1 are known to be pathogenic (PMID: 24362817, 25335493, 25480913, 25795793, 29469822, 30368668, 30442762, 30442766, 30481304, 30859559). This variant is not present in population databases (gnomAD no frequency). This variant has not been reported in the literature in individuals affected with LZTR1-related conditions. Algorithms developed to predict the effect of sequence changes on RNA splicing suggest that this variant may disrupt the consensus splice site. In summary, the currently available evidence indicates that the variant is pathogenic, but additional data are needed to prove that conclusively. Therefore, this variant has been classified as Likely Pathogenic.

Literature cited by the submitters: PubMed 16199547; PubMed 24362817; PubMed 25335493; PubMed 25480913; PubMed 25795793; PubMed 29469822; PubMed 30368668; PubMed 30442762; PubMed 30442766; PubMed 30481304; PubMed 30859559.